The following is an entry in ClinVar:

ClinVar aggregate classification (germline): Likely benign (1 of 4 stars; one submission).

Conditions:
LAMA3-related disorder. Also called: LAMA3-related disorders; LAMA3-related condition.

gnomAD v4.1: 4 of 688,582 alleles (0.00058%); highest among the groups gnomAD compares: Non-Finnish European, 0.0011%; no homozygotes.

Submission:

PreventionGenetics, part of Exact Sciences
Classification: Likely benign for LAMA3-related condition. Last evaluated: 2026-03-25. Review status: criteria provided, single submitter. Criteria: ACMG Guidelines, 2015. Collection method: clinical testing. Allele origin: germline.
Comment: This variant is classified as likely benign based on ACMG/AMP sequence variant interpretation guidelines (Richards et al. 2015 PMID: 25741868, with internal and published modifications).

NM_198129.4(LAMA3):c.1273+140A>C

Gene: LAMA3 (laminin subunit alpha 3; plus strand). Cytogenetic location: 18q11.2.
Variant type: single nucleotide variant.
Coding change: c.1273+140A>C on transcript NM_198129.4 (MANE Select); 140 bases into the intron after coding-DNA position 1273, A replaced by C.
Molecular consequence: intron variant. On other transcripts: synonymous variant (1).
Genome position (GRCh38, 1-based): chr18:23,773,727, A>C. VCF-style: chr18-23773727-A-C. GRCh37 (hg19) VCF-style: chr18-21353691-A-C.
Other names: c.1413A>C, p.Ser471= (NM_001302996.2); c.1273+140A>C (NM_001127717.4).
Identifiers: ClinVar variation 4990008 (VCV004990008.1).